The following is an entry in ClinVar:

ClinVar aggregate classification (germline): Pathogenic. Review status: reviewed by expert panel (3 of 4 stars). 8 submissions from 8 submitters: Pathogenic (1). 7 of the submissions do not count toward it. Last evaluated 2023-11-14.

Conditions:
Recombinase activating gene 2 deficiency. Also called: RAG2 deficiency. Identifiers: MedGen CN257931, MONDO:0000573.
Severe combined immunodeficiency, autosomal recessive, T cell-negative, B cell-negative, NK cell-positive. Also called: Severe combined immunodeficiency due to complete RAG1/2 deficiency; SCID, T CELL-NEGATIVE, B CELL-NEGATIVE, NK CELL-POSITIVE; SCID, AR, T-cell negative, B-cell negative, NK cell-positive. Identifiers: Orphanet 331206, MedGen C1832322, MONDO:0011086, OMIM 601457.
Combined immunodeficiency with skin granulomas. Identifiers: Orphanet 157949, MedGen C2673536, MONDO:0009306, OMIM 233650.
Histiocytic medullary reticulosis. Also called: SEVERE COMBINED IMMUNODEFICIENCY WITH HYPEREOSINOPHILIA; Omenn syndrome. Identifiers: Orphanet 39041, MedGen C2700553, MONDO:0011338, OMIM 603554.

Allele frequency attached by ClinVar (database versions not stated): gnomAD exomes below 0.00001.

Submissions (8):

ClinGen Severe Combined Immunodeficiency Variant Curation Expert Panel, ClinGen
Classification: Pathogenic for Recombinase activating gene 2 deficiency. Last evaluated: 2023-11-14. Review status: reviewed by expert panel. Criteria: ClinGen SCID ACMG Specifications RAG2 V1.0.0. Collection method: curation. Allele origin: germline. Inheritance: Autosomal recessive inheritance.
Comment: The NM_000536.4:c.829dup variant in RAG2 is a frameshift variant predicted to result in a truncated protein (p.Tyr277Leufs*4). Although this variant is expected to escape nonsense-mediated decay (NMD), it would be expected to disrupt approximately 47% of the RAG2 protein. In addition, this variant would be expected to disrupt/remove the entire PHD domain (amino acids 414-487), which is defined as a mutational hotspot/critical functional domain by the ClinGen SCID VCEP (PMID: 15964836). PVS1 met. This variant is absent in gnomAD, which is below the threshold for max filtering allele frequency for PM2_Supporting set by the ClinGen SCID VCEP for RAG2 (<0.0000588). In an experimental study, this variant demonstrates zero recombination activity, which is below the threshold outlined by the ClinGen SCID VCEP (< 25% wildtype activity) for PS3_Moderate (PMID: 31058115). This variant has been reported in three patients. One patient in a cohort of SCID patients (0.5p) with T-B-NK+ immunophenotype (0.5p) was identified with this variant along with a co-occurring RAG2 p.Phe183Asn variant, though phase was not reported (PMID: 24144642) (1p, PP4). A second patient with a later onset CID-like phenotype was identified with this variant along with a co-occurring RAG2 p.Glu170Gly variant (only one parent tested and was heterozygous for the variant) (PMID: 31058115). The p.Phe183Asn and p.Glu170Gly variants have not yet been classified by the ClinGen SCID VCEP. A third patient with Omenn syndrome was identified with this variant; however, the variant was heterozygous, and a second variant in RAG2 was not identified (PMID: 34851571). In summary, this variant meets the criteria to be classified as Pathogenic for autosomal recessive SCID based on the ACMG criteria applied: PVS1, PM2_Supporting, PS3_Moderate, and PP4 as specified by the ClinGen SCID VCEP (VCEP specifications version 1).

Labcorp Genetics (formerly Invitae), Labcorp
Classification: Pathogenic for Combined immunodeficiency with skin granulomas; Severe combined immunodeficiency, autosomal recessive, T cell-negative, B cell-negative, NK cell-positive. Last evaluated: 2025-10-29. Review status: criteria provided, single submitter. Criteria: Invitae Variant Classification Sherloc (09022015). Collection method: clinical testing. Allele origin: germline. Not counted in ClinVar's aggregate classification.
Comment: This sequence change creates a premature translational stop signal (p.Tyr277Leufs*4) in the RAG2 gene. While this is not anticipated to result in nonsense mediated decay, it is expected to disrupt the last 251 amino acid(s) of the RAG2 protein. This variant is not present in population databases (gnomAD no frequency). This premature translational stop signal has been observed in individuals with severe combined immunodeficiency (PMID: 24144642, 31058115). ClinVar contains an entry for this variant (Variation ID: 1075544). This variant disrupts a region of the RAG2 protein in which other variant(s) (p.Ile427Glyfs*12, p.His468Argfs*16, p.Glu480*) have been determined to be pathogenic (PMID: 21624848, 26476733, 26915675, 29772310). This suggests that this is a clinically significant region of the protein, and that variants that disrupt it are likely to be disease-causing. For these reasons, this variant has been classified as Pathogenic.

Natera, Inc.
Classification: Likely pathogenic for Omenn syndrome. Last evaluated: 2025-10-28. Review status: criteria provided, single submitter. Criteria: Natera Variant Classification Schema (03/2026). Collection method: clinical testing. Allele origin: germline. Not counted in ClinVar's aggregate classification.
Comment: The c.829dupT variant in RAG2 is a frameshift variant predicted to shift the reading frame beginning at codon 277 and leads to a stop codon 4 codons downstream. This variant is expected to result in nonsense mediated decay, truncation, or a dysfunctional protein product. This variant is rare in the general population with a frequency below the threshold expected for the associated phenotype(s). This variant has been observed in one or more individuals affected with the associated recessive disease, as either homozygous or compound heterozygous with a second variant (PMID: 31058115). Functional studies show that this variant may disrupt protein function (PMID: 31058115). Given the available evidence, this variant is classified as Likely Pathogenic.

OLLIN Analises Genomicas, OLLIN
Classification: Pathogenic for Histiocytic medullary reticulosis. Last evaluated: 2025-01-03. Review status: criteria provided, single submitter. Criteria: ACMG Guidelines 2015 PMID 25741868. Collection method: clinical testing. Allele origin: germline. Affected: yes. Observed: 1 variant allele. Not counted in ClinVar's aggregate classification.
Comment: The frameshift variant (chr11:36593339 T > TA), located in exon 2 (of 2), is reported in ClinVar (VCV001075544.11), in gnomAD v4.1 non-UKB with an allele frequency of 0.0004771%, and has already been described in the scientific literature in at least three patients presenting the SCID phenotype (PMID: 24144642, 31058115, 34851571). Functional studies suggest that this variant affects protein function (PMID: 31058115). This variant promotes a frameshift with subsequent introduction of a premature stop codon and, although this variant is predicted to escape mRNA degradation via NMD, it is expected to compromise approximately 47% of the protein, possibly removing the entire critical functional domain PHD (amino acids 414-487), as described in ClinGen SCID VCEP (PMID: 15964836). According to currently available evidence and the specific ClinGen criteria for this gene (GN124), this variant has been classified as pathogenic (PVS1, PS3_M, PM2_P, PP4).

GeneDx
Classification: Pathogenic. Last evaluated: 2024-05-14. Review status: criteria provided, single submitter. Criteria: GeneDx Variant Classification Process June 2021. Collection method: clinical testing. Allele origin: germline. Affected: yes. Not counted in ClinVar's aggregate classification.
Comment: Frameshift variant predicted to result in abnormal protein length as the last 251 amino acids are replaced with 3 different amino acids, and other similar variants have been reported in HGMD; Published functional studies demonstrate a damaging effect with this variant resulting in loss of recombination activity (PMID: 31058115); Not observed at significant frequency in large population cohorts (gnomAD); This variant is associated with the following publications: (PMID: 24144642, 31058115, 26996199, 27825771, 20234091, 12115628, 35902638)

Baylor Genetics
Classification: Pathogenic for Combined immunodeficiency with skin granulomas. Last evaluated: 2023-12-26. Review status: criteria provided, single submitter. Criteria: ACMG Guidelines, 2015. Collection method: clinical testing. Allele origin: unknown. Not counted in ClinVar's aggregate classification.

Fulgent Genetics
Classification: Pathogenic for Combined immunodeficiency with skin granulomas; Severe combined immunodeficiency, autosomal recessive, T cell-negative, B cell-negative, NK cell-positive; Histiocytic medullary reticulosis. Last evaluated: 2022-01-13. Review status: criteria provided, single submitter. Criteria: ACMG Guidelines, 2015. Collection method: clinical testing. Allele origin: unknown. Not counted in ClinVar's aggregate classification.

Seattle Children's Hospital Molecular Genetics Laboratory, Seattle Children's Hospital
Classification: Pathogenic for Severe combined immunodeficiency, autosomal recessive, T cell-negative, B cell-negative, NK cell-positive. Review status: criteria provided, single submitter. Criteria: ACMG Guidelines, 2015. Collection method: clinical testing. Allele origin: germline. Affected: yes. Not counted in ClinVar's aggregate classification.
Comment: The p.Tyr277Leufs*4 variant results in substitution of tyrosine at amino acid position 277 with leucine followed by a premature termination codon after four amino acids. RAG2 is a single exon gene; therefore, this frameshift is expected to result in a truncated protein, rather than nonsense-mediated decay. This truncated protein would lack part of the core domain (amino acids 1-383) and all of the PHD-type zinc finger domain (amino acids: 416-484, PMID: 26692406). This frameshift variant has been reported previously in affected individuals (PMID: 24144642, 31058115). This variant is found at a low frequency in large population studies (5 of 1,461,850 alleles, no homozygotes, gnomAD v4.0.0)).

Literature cited by the submitters: PubMed 24144642 (cited by Labcorp Genetics (formerly Invitae), Labcorp and OLLIN Analises Genomicas, OLLIN); PubMed 31058115 (cited by 3 submitters); PubMed 21624848 (cited by Labcorp Genetics (formerly Invitae), Labcorp); PubMed 26476733 (cited by Labcorp Genetics (formerly Invitae), Labcorp); PubMed 26915675 (cited by Labcorp Genetics (formerly Invitae), Labcorp); PubMed 29772310 (cited by Labcorp Genetics (formerly Invitae), Labcorp); PubMed 34851571 (cited by OLLIN Analises Genomicas, OLLIN); PubMed 15964836 (cited by OLLIN Analises Genomicas, OLLIN).

NM_000536.4(RAG2):c.829dup (p.Tyr277fs)

Gene: RAG2 (recombination activating 2; minus strand). Cytogenetic location: 11p12.
Variant type: Duplication.
Coding change: c.829dup on transcript NM_000536.4 (MANE Select); coding-DNA position 829, one base duplicated (T; older notation c.829dupT).
Protein change: p.Tyr277fs; shifts the reading frame from tyrosine 277.
Molecular consequence: frameshift variant.
Genome position (GRCh38, 1-based): chr11:36,593,340, A duplicated on the plus strand (T on the coding strand, the reverse complement: RAG2 is on the minus strand). VCF-style (leftmost placement, unchanged base first): chr11-36593339-T-TA. GRCh37 (hg19) VCF-style: chr11-36614889-T-TA.
Other names: NM_000536.4(RAG2):c.829dup; p.Tyr277fs; c.829dupT (NM_000536.3); c.829dup, p.Tyr277fs (NM_001243785.2, NM_001243786.2); c.829dup (NM_000536.3); short protein forms Y277fs.
Identifiers: ClinVar variation 1075544 (VCV001075544.13), dbSNP rs1851074524, ClinGen allele CA1964194540.